The following is an entry in ClinVar:

NM_000497.4(CYP11B1):c.1343G>A (p.Arg448His)

Genes: CYP11B1 (cytochrome P450 family 11 subfamily B member 1; minus strand), LOC106799833 (CYP11B1 recombination region; plus strand). Cytogenetic location: 8q24.3.
Variant type: single nucleotide variant.
Coding change: c.1343G>A on transcript NM_000497.4 (MANE Select); coding-DNA position 1343, G replaced by A.
Protein change: p.Arg448His; replaces arginine 448 with histidine.
Molecular consequence: missense variant. On other transcripts: intron variant (1).
Genome position (GRCh38, 1-based): chr8:142,875,012, C>T on the plus strand (G>A on the coding strand, the complement: CYP11B1 is on the minus strand). VCF-style: chr8-142875012-C-T. GRCh37 (hg19) VCF-style: chr8-143956428-C-T.
Other names: c.1200+222G>A (NM_001026213.1); short protein forms R448H.
Identifiers: ClinVar variation 1171 (VCV000001171.21), dbSNP rs28934586, ClinGen allele CA339875.

ClinVar aggregate classification (germline): Pathogenic/Likely pathogenic. Review status: criteria provided, multiple submitters, no conflicts (2 of 4 stars). 10 submissions from 10 submitters: Pathogenic (7); Likely pathogenic (1). 2 of the submissions do not count toward it. Last evaluated 2026-09-02.

Conditions:
CYP11B1-related disorder. Also called: CYP11B1-related condition.
Multiple congenital anomalies/dysmorphic syndrome-intellectual disability. Identifiers: Orphanet 102283, MedGen C5680372, MONDO:0015159.
Glucocorticoid-remediable aldosteronism. Also called: ACTH-DEPENDENT HYPERALDOSTERONISM SYNDROME; ALDOSTERONISM, SENSITIVE TO DEXAMETHASONE; FH I; Hyperaldosteronism, familial, type I; GLUCOCORTICOID-SUPPRESSIBLE HYPERALDOSTERONISM. Identifiers: Orphanet 403, MedGen C3838731, MONDO:0007080, OMIM 103900.
Deficiency of steroid 11-beta-monooxygenase (CYP11B1). Also called: ADRENAL HYPERPLASIA IV; ADRENAL HYPERPLASIA, CONGENITAL, DUE TO STEROID 11-BETA-HYDROXYLASE DEFICIENCY; P450C11B1 DEFICIENCY; 11-BETA-HYDROXYLASE DEFICIENCY; STEROID 11-BETA-HYDROXYLASE DEFICIENCY; Congenital adrenal hyperplasia due to 11-beta-hydroxylase deficiency. Identifiers: Orphanet 90795, MedGen C0268292, MONDO:0008729, OMIM 202010. Disease mechanism: loss of function.

Allele frequency attached by ClinVar (database versions not stated): gnomAD 0.00002; gnomAD exomes 0.00003 and 0.00002; TOPMed 0.00003; ExAC 0.00002.
gnomAD v4.1: 44 of 1,614,100 alleles (0.0027%); highest among the groups gnomAD compares: Non-Finnish European, 0.0036%; no homozygotes.

Submissions (10):

PreventionGenetics, part of Exact Sciences
Classification: Pathogenic for CYP11B1-related condition. Last evaluated: 2026-09-02. Review status: criteria provided, single submitter. Criteria: ACMG Guidelines, 2015. Collection method: clinical testing. Allele origin: germline.
Comment: The CYP11B1 c.1343G>A variant is predicted to result in the amino acid substitution p.Arg448His. This variant has been reported to be causative for autosomal recessive congenital adrenal hyperplasia (CAH) and widely regarded as a Moroccan Jewish founder allele (see for example, White et al. 1991. PubMed ID: 2022736; Paperna et al. 2005. PubMed ID: 16030166). Of note, other amino acid substitutions at this codon have also been reported to be causative for CAH (see for example, p.Arg448Cys in Geley et al. 1996. PubMed ID: 8768848; p.Arg448Pro in Alswailem et al. 2020. PubMed ID: 32784047). The c.1343G>A (p.Arg448His) variant is reported in 0.0054% of alleles in individuals of European (Non-Finnish) descent in gnomAD. This variant falls within a highly paralogous region. Allele frequency data should be interpreted with caution. This variant is interpreted as pathogenic.

Labcorp Genetics (formerly Invitae), Labcorp
Classification: Pathogenic. Last evaluated: 2025-06-14. Review status: criteria provided, single submitter. Criteria: Invitae Variant Classification Sherloc (09022015). Collection method: clinical testing. Allele origin: germline.
Comment: This sequence change replaces arginine, which is basic and polar, with histidine, which is basic and polar, at codon 448 of the CYP11B1 protein (p.Arg448His). This variant is present in population databases (rs28934586, gnomAD 0.006%). This missense change has been observed in individuals with adrenal hyperplasia (PMID: 2022736, 16030166, 20024693, 27376433). It has also been observed to segregate with disease in related individuals. ClinVar contains an entry for this variant (Variation ID: 1171). Invitae Evidence Modeling of protein sequence and biophysical properties (such as structural, functional, and spatial information, amino acid conservation, physicochemical variation, residue mobility, and thermodynamic stability) indicates that this missense variant is expected to disrupt CYP11B1 protein function with a positive predictive value of 95%. For these reasons, this variant has been classified as Pathogenic.

Blueprint Genetics
Classification: Pathogenic for CYP11B1-related disorders. Last evaluated: 2024-10-08. Review status: criteria provided, single submitter. Criteria: ACMG Guidelines, 2015. Collection method: clinical testing. Allele origin: germline. Affected: yes. Observed: 5 variant alleles.

Revvity Omics, Revvity
Classification: Pathogenic. Last evaluated: 2024-05-20. Review status: criteria provided, single submitter. Criteria: ACMG Guidelines, 2015. Collection method: clinical testing. Allele origin: germline.

Fulgent Genetics
Classification: Pathogenic for Glucocorticoid-remediable aldosteronism; Deficiency of steroid 11-beta-monooxygenase. Last evaluated: 2024-04-04. Review status: criteria provided, single submitter. Criteria: ACMG Guidelines, 2015. Collection method: clinical testing. Allele origin: germline.

Baylor Genetics
Classification: Pathogenic for Deficiency of steroid 11-beta-monooxygenase. Last evaluated: 2024-03-26. Review status: criteria provided, single submitter. Criteria: ACMG Guidelines, 2015. Collection method: clinical testing. Allele origin: unknown.

AURAGEN, Plan France Médecine Génomique
Classification: Pathogenic for Multiple congenital anomalies/dysmorphic syndrome-intellectual disability. Last evaluated: 2022-03-31. Review status: criteria provided, single submitter. Criteria: PFMG2025 (Lancet Reg Health Eur. 2025). Collection method: clinical testing. Allele origin: germline. Affected: yes.

Centre for Mendelian Genomics, University Medical Centre Ljubljana
Classification: Likely pathogenic for Glucocorticoid-remediable aldosteronism. Last evaluated: 2019-04-04. Review status: criteria provided, single submitter. Criteria: ACMG Guidelines, 2015. Collection method: clinical testing. Allele origin: unknown. Affected: yes.
Comment: This variant was classified as: Likely pathogenic. The following ACMG criteria were applied in classifying this variant: PS1,PM2,PP3.

Counsyl
Classification: Likely pathogenic for Deficiency of steroid 11-beta-monooxygenase. Last evaluated: 2017-06-26. Review status: no assertion criteria provided. Collection method: clinical testing. Allele origin: unknown. Not counted in ClinVar's aggregate classification.

OMIM
Classification: Pathogenic for ADRENAL HYPERPLASIA, CONGENITAL, DUE TO STEROID 11-BETA-HYDROXYLASE DEFICIENCY. Last evaluated: 2005-09-01. Review status: no assertion criteria provided. Collection method: literature only. Allele origin: germline. Not counted in ClinVar's aggregate classification.

Literature cited by the submitters: PubMed 2022736 (cited by 3 submitters); PubMed 16030166 (cited by Labcorp Genetics (formerly Invitae), Labcorp and OMIM); PubMed 20024693 (cited by Labcorp Genetics (formerly Invitae), Labcorp); PubMed 27376433 (cited by Labcorp Genetics (formerly Invitae), Labcorp); PubMed 20089618 (cited by Counsyl); PubMed 22964742 (cited by Counsyl); PubMed 8506298 (cited by Counsyl); PubMed 7049883 (cited by OMIM).